The following is an entry in ClinVar:

NM_006343.3(MERTK):c.1951C>T (p.Arg651Ter)

Gene: MERTK (MER proto-oncogene, tyrosine kinase; plus strand). Cytogenetic location: 2q13.
Variant type: single nucleotide variant.
Coding change: c.1951C>T on transcript NM_006343.3 (MANE Select); coding-DNA position 1951, C replaced by T.
Protein change: p.Arg651Ter; replaces arginine 651 with a stop codon.
Molecular consequence: nonsense.
Genome position (GRCh38, 1-based): chr2:112,008,466, C>T. VCF-style: chr2-112008466-C-T. GRCh37 (hg19) VCF-style: chr2-112766043-C-T.
Other names: short protein forms R651*.
Identifiers: ClinVar variation 5402 (VCV000005402.16), dbSNP rs119489105, ClinGen allele CA253474.

ClinVar aggregate classification (germline): Pathogenic. Review status: criteria provided, multiple submitters, no conflicts (2 of 4 stars). 7 submissions from 7 submitters: Pathogenic (5). 2 of the submissions do not count toward it. Last evaluated 2026-07-23.

Conditions:
MERTK-related disorder. Also called: MERTK-related condition.
Retinal dystrophy. Also called: Inherited retinal dystrophy. Identifiers: Orphanet 71862, MedGen C0854723, MeSH D058499, MONDO:0019118, HP:0000556.
Retinitis pigmentosa (RP). Identifiers: Orphanet 791, MedGen C0035334, MeSH D012174, MONDO:0019200, OMIM 268000. Inheritance: Autosomal dominant, autosomal recessive and X linked inheritance.
Autosomal recessive retinitis pigmentosa. Identifiers: MedGen C0339526.
Retinitis pigmentosa 38 (RP38). Also called: ROD-CONE DYSTROPHY, CHILDHOOD-ONSET. Identifiers: Orphanet 791, MedGen C3151228, MONDO:0013469, OMIM 613862.

Allele frequency attached by ClinVar (database versions not stated): gnomAD 0.00001; TOPMed 0.00001; ExAC 0.00005; gnomAD exomes 0.00005 and 0.00006.
gnomAD v4.1: 75 of 1,613,540 alleles (0.0046%); highest among the groups gnomAD compares: Non-Finnish European, 0.0063%; no homozygotes.

Submissions (7):

PreventionGenetics, part of Exact Sciences
Classification: Pathogenic for MERTK-related condition. Last evaluated: 2026-07-23. Review status: criteria provided, single submitter. Criteria: ACMG Guidelines, 2015. Collection method: clinical testing. Allele origin: germline.
Comment: The MERTK c.1951C>T variant is predicted to result in premature protein termination (p.Arg651*). This variant has been reported in individuals with autosomal recessive inherited retinal disease (see for example: Wang et al. 2014. PubMed ID: 25097241; Table S1, Lin et al. 2024. PubMed ID: 38219857; Supplementary Table 1, Weisschuh et al. 2024. PubMed ID: 37734845). This variant is reported in 0.011% of alleles in individuals of European (Non-Finnish) descent in gnomAD. Nonsense variants in MERTK are expected to be pathogenic. This variant is interpreted as pathogenic.

Labcorp Genetics (formerly Invitae), Labcorp
Classification: Pathogenic. Last evaluated: 2025-03-17. Review status: criteria provided, single submitter. Criteria: Invitae Variant Classification Sherloc (09022015). Collection method: clinical testing. Allele origin: germline.
Comment: This sequence change creates a premature translational stop signal (p.Arg651*) in the MERTK gene. It is expected to result in an absent or disrupted protein product. Loss-of-function variants in MERTK are known to be pathogenic (PMID: 24265693, 29659094). This variant is present in population databases (rs119489105, gnomAD 0.01%). This premature translational stop signal has been observed in individual(s) with clinical features of inherited retinal dystrophies (PMID: 11062461, 20300561, 25097241). ClinVar contains an entry for this variant (Variation ID: 5402). Algorithms developed to predict the effect of sequence changes on RNA splicing suggest that this variant may disrupt the consensus splice site. For these reasons, this variant has been classified as Pathogenic.

Blueprint Genetics
Classification: Pathogenic for MERTK-related disorders. Last evaluated: 2023-06-01. Review status: criteria provided, single submitter. Criteria: ACMG Guidelines, 2015. Collection method: clinical testing. Allele origin: germline. Affected: yes. Observed: 3 variant alleles.

Broad Center for Mendelian Genomics, Broad Institute of MIT and Harvard
Classification: Pathogenic for Retinitis pigmentosa. Last evaluated: 2021-04-01. Review status: criteria provided, single submitter. Criteria: ACMG Guidelines, 2015. Collection method: curation. Allele origin: germline. Inheritance: Autosomal recessive inheritance. Affected: yes.
Comment: Through a review of available evidence we were able to apply the following criteria: PVS1, PM2, PM3-P. Based on this evidence we have classified this variant as Pathogenic. If you have any questions about the classification please reach out to the Pierce Lab.

Institute of Human Genetics, Univ. Regensburg, Univ. Regensburg
Classification: Pathogenic for Retinal dystrophy. Last evaluated: 2015-01-01. Review status: criteria provided, single submitter. Criteria: ACMG Guidelines, 2015. Collection method: clinical testing. Allele origin: germline. Affected: yes.

Faculty of Health Sciences, Beirut Arab University
Classification: Pathogenic for Autosomal recessive Retinitis Pigmentosa. Last evaluated: 2018-05-23. Review status: no assertion criteria provided. Collection method: literature only. Allele origin: germline. Affected: yes. Observed: 1 variant allele. Not counted in ClinVar's aggregate classification.

OMIM
Classification: Pathogenic for RETINITIS PIGMENTOSA 38. Last evaluated: 2010-03-09. Review status: no assertion criteria provided. Collection method: literature only. Allele origin: germline. Not counted in ClinVar's aggregate classification.

Literature cited by the submitters: PubMed 24265693 (cited by Labcorp Genetics (formerly Invitae), Labcorp); PubMed 29659094 (cited by 3 submitters); PubMed 11062461 (cited by 4 submitters); PubMed 20300561 (cited by 4 submitters); PubMed 25097241 (cited by 3 submitters); PubMed 34906470 (cited by Broad Center for Mendelian Genomics, Broad Institute of MIT and Harvard); PubMed 25525159 (cited by Institute of Human Genetics, Univ. Regensburg, Univ. Regensburg); PubMed 31589614 (cited by Institute of Human Genetics, Univ. Regensburg, Univ. Regensburg); PubMed 31964843 (cited by Institute of Human Genetics, Univ. Regensburg, Univ. Regensburg); PubMed 36460718 (cited by Institute of Human Genetics, Univ. Regensburg, Univ. Regensburg).